The following is an entry in ClinVar:

ClinVar aggregate classification (germline): Pathogenic (1 of 4 stars; one submission).

Conditions:
Autosomal recessive limb-girdle muscular dystrophy type 2A (LGMDR1). Also called: Calpainopathy; LEYDEN-MOEBIUS MUSCULAR DYSTROPHY; MUSCULAR DYSTROPHY, PELVOFEMORAL; Limb-girdle muscular dystrophy, type 2A; Muscular dystrophy, limb-girdle, type 2A, Amish. Identifiers: Orphanet 267, MedGen C1869123, MONDO:0009675, OMIM 253600. Disease mechanism: loss of function.

Submission:

Labcorp Genetics (formerly Invitae), Labcorp
Classification: Pathogenic for Autosomal recessive limb-girdle muscular dystrophy type 2A. Last evaluated: 2023-12-12. Review status: criteria provided, single submitter. Criteria: Invitae Variant Classification Sherloc (09022015). Collection method: clinical testing. Allele origin: germline.
Comment: This sequence change creates a premature translational stop signal (p.Val351*) in the CAPN3 gene. It is expected to result in an absent or disrupted protein product. Loss-of-function variants in CAPN3 are known to be pathogenic (PMID: 10330340, 15689361). This variant is not present in population databases (gnomAD no frequency). This variant has not been reported in the literature in individuals affected with CAPN3-related conditions. For these reasons, this variant has been classified as Pathogenic.

Literature cited by the submitters: PubMed 10330340; PubMed 15689361.

NM_000070.3(CAPN3):c.1050del (p.Lys350_Val351insTer)

Gene: CAPN3 (calpain 3; plus strand). Cytogenetic location: 15q15.1.
Variant type: Deletion.
Coding change: c.1050del on transcript NM_000070.3 (MANE Select); coding-DNA position 1050, one base deleted (A; older notation c.1050delA).
Protein change: p.Lys350_Val351insTer.
Molecular consequence: frameshift variant. On other transcripts: nonsense (1).
Genome position (GRCh38, 1-based): chr15:42,394,276, A deleted; the last of 3 consecutive A bases (chr15:42,394,274-42,394,276); deleting any one gives the same sequence. VCF-style (leftmost placement, unchanged base first): chr15-42394273-GA-G. GRCh37 (hg19) VCF-style: chr15-42686471-GA-G.
Other names: c.1050del, p.Lys350_Val351insTer (NM_024344.2); c.906del, p.Lys302_Val303insTer (NM_173087.2); c.789delA, p.Val264Terfs (NM_212464.2); c.*743delA (NM_212467.2).
Identifiers: ClinVar variation 2702434 (VCV002702434.3), dbSNP rs2548267382, ClinGen allele CA2697554386.